The following is an entry in ClinVar:

ClinVar aggregate classification (germline): Pathogenic (1 of 4 stars; one submission).

Submission:

Labcorp Genetics (formerly Invitae), Labcorp
Classification: Pathogenic. Last evaluated: 2024-04-25. Review status: criteria provided, single submitter. Criteria: Invitae Variant Classification Sherloc (09022015). Collection method: clinical testing. Allele origin: germline.
Comment: This sequence change creates a premature translational stop signal (p.Ile252Leufs*41) in the TET2 gene. It is expected to result in an absent or disrupted protein product. Loss-of-function variants in TET2 are known to be pathogenic (PMID: 36066697). This variant is not present in population databases (gnomAD no frequency). This variant has not been reported in the literature in individuals affected with TET2-related conditions. For these reasons, this variant has been classified as Pathogenic.

Literature cited by the submitters: PubMed 36066697.

NM_001127208.3(TET2):c.753del (p.Ile252fs)

Genes: TET2 (tet methylcytosine dioxygenase 2; plus strand), TET2-AS1 (TET2 antisense RNA 1; minus strand). Cytogenetic location: 4q24.
Variant type: Deletion.
Coding change: c.753del on transcript NM_001127208.3 (MANE Select); coding-DNA position 753, one base deleted (C; older notation c.753delC).
Protein change: p.Ile252fs; shifts the reading frame from isoleucine 252.
Molecular consequence: frameshift variant.
Genome position (GRCh38, 1-based): chr4:105,234,695, C deleted; the last of 2 consecutive C bases (chr4:105,234,694-105,234,695); deleting either gives the same sequence. VCF-style (leftmost placement, unchanged base first): chr4-105234693-GC-G. GRCh37 (hg19) VCF-style: chr4-106155850-GC-G.
Other names: c.753del, p.Ile252fs (NM_017628.4); short protein forms I252fs.
Identifiers: ClinVar variation 3650926 (VCV003650926.2).